The following is an entry in ClinVar:

ClinVar aggregate classification (germline): Uncertain significance (1 of 4 stars; one submission).

Conditions:
Leigh syndrome (NULS). Also called: Leigh's necrotizing encephalopathy; Leigh's disease; Leigh Syndrome (mtDNA deletion); Leigh Disease; Subacute necrotizing encephalopathy; Necrotizing encephalopathy infantile subacute of Leigh. Identifiers: Orphanet 506, MedGen C2931891, MONDO:0009723, OMIM 256000.

Submission:

Wong Mito Lab, Molecular and Human Genetics, Baylor College of Medicine
Classification: Uncertain significance for Leigh syndrome. Last evaluated: 2019-10-17. Review status: criteria provided, single submitter. Criteria: Modified ACMG Guidelines (Unpublished). Collection method: clinical testing. Allele origin: germline.
Comment: The NC_012920.1:m.8514C>T (YP_003024030.1:p.Pro50Leu) variant in MTATP8 gene is interpretated to be a Uncertain Significance variant based on the modified ACMG guidelines (unpublished). This variant meets the following evidence codes: PP4

NC_012920.1(MT-ATP8):m.8514C>T

Gene: MT-ATP8 (mitochondrially encoded ATP synthase 8; plus strand).
Variant type: single nucleotide variant.
Genome position: chrM-8514-C-T.
Identifiers: ClinVar variation 692883 (VCV000692883.1), dbSNP rs1603221554, ClinGen allele CA414796444.